The following is an entry in ClinVar:

NM_032444.4(SLX4):c.4534G>C (p.Asp1512His)

Gene: SLX4 (SLX4 structure-specific endonuclease subunit; minus strand). Cytogenetic location: 16p13.3.
Variant type: single nucleotide variant.
Coding change: c.4534G>C on transcript NM_032444.4 (MANE Select); coding-DNA position 4534, G replaced by C.
Protein change: p.Asp1512His; replaces aspartic acid 1512 with histidine.
Molecular consequence: missense variant.
Genome position (GRCh38, 1-based): chr16:3,589,104, C>G on the plus strand (G>C on the coding strand, the complement: SLX4 is on the minus strand). VCF-style: chr16-3589104-C-G. GRCh37 (hg19) VCF-style: chr16-3639105-C-G.
Other names: short protein forms D1512H.
Identifiers: ClinVar variation 2113342 (VCV002113342.3), dbSNP rs1261615541, ClinGen allele CA394516941.
Genomic context (GRCh38, chr16:3,589,104, plus strand): 5'-TTGGCATCTGGGCCGGAGGAGGGGTCTCTGGAGGCCTCTGCTCTTCCCCGTCCCAAACGT[C>G]CCACAGAGCCGAATTCAGAAAGCTCGGCCTGCTATTCCCCAGGGAGCCCGCGCCCGAGGA-3'
Protein context (NP_115820.2, residues 1502-1522): RPSFLNSALW[Asp1512His]VWDGEEQRPP

ClinVar aggregate classification (germline): Uncertain significance (1 of 4 stars; one submission).

Conditions:
Fanconi anemia (FA). Also called: Fanconi's anemia. Identifiers: Orphanet 84, MedGen C0015625, MeSH D005199, MONDO:0019391.

gnomAD v4.1: 1 of 1,614,178 alleles (0.000062%); no homozygotes.

Submission:

Labcorp Genetics (formerly Invitae), Labcorp
Classification: Uncertain significance for Fanconi anemia. Last evaluated: 2022-03-19. Review status: criteria provided, single submitter. Criteria: Invitae Variant Classification Sherloc (09022015). Collection method: clinical testing. Allele origin: germline.
Comment: In summary, the available evidence is currently insufficient to determine the role of this variant in disease. Therefore, it has been classified as a Variant of Uncertain Significance. Algorithms developed to predict the effect of missense changes on protein structure and function are either unavailable or do not agree on the potential impact of this missense change (SIFT: "Deleterious"; PolyPhen-2: "Probably Damaging"; Align-GVGD: "Class C0"). This variant has not been reported in the literature in individuals affected with SLX4-related conditions. This variant is not present in population databases (gnomAD no frequency). This sequence change replaces aspartic acid, which is acidic and polar, with histidine, which is basic and polar, at codon 1512 of the SLX4 protein (p.Asp1512His).